The following is an entry in ClinVar:

NM_052867.4(NALCN):c.3269+5G>T

Gene: NALCN (sodium leak channel, non-selective; minus strand). Cytogenetic location: 13q32.3.
Variant type: single nucleotide variant.
Coding change: c.3269+5G>T on transcript NM_052867.4 (MANE Select); 5 bases into the intron after coding-DNA position 3269, G replaced by T.
Molecular consequence: intron variant.
Genome position (GRCh38, 1-based): chr13:101,095,569, C>A on the plus strand (G>T on the coding strand, the complement: NALCN is on the minus strand). VCF-style: chr13-101095569-C-A. GRCh37 (hg19) VCF-style: chr13-101747920-C-A.
Other names: c.3182+5G>T (NM_001350751.2, NM_001350750.2); c.3269+5G>T (NM_001350749.2); c.3356+5G>T (NM_001350748.2).
Identifiers: ClinVar variation 3375712 (VCV003375712.1).

ClinVar aggregate classification (germline): Uncertain significance (1 of 4 stars; one submission).

gnomAD v4.1: 14 of 1,608,404 alleles (0.00087%); highest among the groups gnomAD compares: Non-Finnish European, 0.0012%; no homozygotes.

Submission:

GeneDx
Classification: Uncertain significance. Last evaluated: 2024-05-11. Review status: criteria provided, single submitter. Criteria: GeneDx Variant Classification Process June 2021. Collection method: clinical testing. Allele origin: germline. Affected: yes.
Comment: Intronic variant directly or indirectly altering the +5 splice site in a gene for which loss of function is a known mechanism of disease, and splice predictors support a deleterious effect; Has not been previously published as pathogenic or benign to our knowledge